The following is an entry in ClinVar:

NM_033305.3(VPS13A):c.3934G>A (p.Val1312Ile)

Gene: VPS13A (vacuolar protein sorting 13 homolog A; plus strand). Cytogenetic location: 9q21.2.
Variant type: single nucleotide variant.
Coding change: c.3934G>A on transcript NM_033305.3 (MANE Select); coding-DNA position 3934, G replaced by A.
Protein change: p.Val1312Ile; replaces valine 1312 with isoleucine.
Molecular consequence: missense variant.
Genome position (GRCh38, 1-based): chr9:77,303,036, G>A. VCF-style: chr9-77303036-G-A. GRCh37 (hg19) VCF-style: chr9-79917952-G-A.
Other names: c.3817G>A, p.Val1273Ile (NM_001018037.2); c.3934G>A, p.Val1312Ile (NM_001018038.3, NM_015186.4); c.3934G>A (NM_033305.2); short protein forms V1273I, V1312I.
Identifiers: ClinVar variation 2154343 (VCV002154343.2), dbSNP rs764081252, ClinGen allele CA5092372.

ClinVar aggregate classification (germline): Conflicting classifications of pathogenicity. Review status: criteria provided, conflicting classifications (1 of 4 stars). 2 submissions from 2 submitters: Uncertain significance (1); Likely benign (1). Last evaluated 2024-05-26.

Conditions:
Inborn genetic diseases. Identifiers: MedGen C0950123, MeSH D030342.

Allele frequency attached by ClinVar (database versions not stated): ExAC 0.00001; gnomAD 0.00001; gnomAD exomes 0.00001; TOPMed 0.00004.
gnomAD v4.1: 7 of 1,613,860 alleles (0.00043%); highest among the groups gnomAD compares: East Asian, 0.016%; no homozygotes.

Submissions (2):

Ambry Genetics
Classification: Likely benign for Inborn genetic diseases. Last evaluated: 2024-05-26. Review status: criteria provided, single submitter. Criteria: Ambry Variant Classification Scheme 2023. Collection method: clinical testing. Allele origin: germline.

Labcorp Genetics (formerly Invitae), Labcorp
Classification: Uncertain significance. Last evaluated: 2022-06-26. Review status: criteria provided, single submitter. Criteria: Invitae Variant Classification Sherloc (09022015). Collection method: clinical testing. Allele origin: germline.
Comment: This sequence change replaces valine, which is neutral and non-polar, with isoleucine, which is neutral and non-polar, at codon 1312 of the VPS13A protein (p.Val1312Ile). The frequency data for this variant in the population databases is considered unreliable, as metrics indicate poor data quality at this position in the gnomAD database. This variant has not been reported in the literature in individuals affected with VPS13A-related conditions. Algorithms developed to predict the effect of missense changes on protein structure and function output the following: SIFT: "Tolerated"; PolyPhen-2: "Benign"; Align-GVGD: "Class C0". The isoleucine amino acid residue is found in multiple mammalian species, which suggests that this missense change does not adversely affect protein function. In summary, the available evidence is currently insufficient to determine the role of this variant in disease. Therefore, it has been classified as a Variant of Uncertain Significance.